The following is an entry in ClinVar:

NM_000051.4(ATM):c.478T>C (p.Ser160Pro)

Gene: ATM (ATM serine/threonine kinase; plus strand). Cytogenetic location: 11q22.3.
Variant type: single nucleotide variant.
Coding change: c.478T>C on transcript NM_000051.4 (MANE Select); coding-DNA position 478, T replaced by C.
Protein change: p.Ser160Pro; replaces serine 160 with proline.
Molecular consequence: missense variant.
Genome position (GRCh38, 1-based): chr11:108,235,816, T>C. VCF-style: chr11-108235816-T-C. GRCh37 (hg19) VCF-style: chr11-108106543-T-C.
Other names: c.478T>C, p.Ser160Pro (NM_001351834.2); short protein forms S160P.
Identifiers: ClinVar variation 656583 (VCV000656583.15), dbSNP rs761170769, ClinGen allele CA6264610.

ClinVar aggregate classification (germline): Uncertain significance. Review status: criteria provided, multiple submitters, no conflicts (2 of 4 stars). 5 submissions from 5 submitters: Uncertain significance (4). 1 of the submissions does not count toward it. Last evaluated 2024-10-31.

Conditions:
Familial cancer of breast. Also called: BREAST CANCER, FAMILIAL; hereditary breast carcinoma; Hereditary breast cancer. Identifiers: Orphanet 227535, MedGen C0346153, MONDO:0016419, OMIM 114480. Disease mechanism: loss of function.
Ataxia-telangiectasia syndrome (AT). Also called: LOUIS-BAR SYNDROME; Ataxia telangiectasia (A-T); Cerebello-oculocutaneous telangiectasia; Immunodeficiency with ataxia telangiectasia; Ataxia-telangiectasia, complementation group E; Ataxia-telangiectasia, complementation group D. Identifiers: Orphanet 100, MedGen C0004135, MONDO:0008840, OMIM 208900.
Carcinoma of colon (CRC). Also called: Colonic carcinoma; Colon carcinoma. Identifiers: MedGen C0699790, MONDO:0002032.
Hereditary cancer-predisposing syndrome. Also called: Tumor predisposition; Hereditary Cancer Syndrome; Hereditary neoplastic syndrome; Neoplastic Syndromes, Hereditary. Identifiers: Orphanet 140162, MedGen C0027672, MeSH D009386, MONDO:0015356.

Allele frequency attached by ClinVar (database versions not stated): TOPMed below 0.00001; ExAC 0.00001; gnomAD exomes 0.00001.
gnomAD v4.1: 6 of 1,613,824 alleles (0.00037%); highest among the groups gnomAD compares: Non-Finnish European, 0.00051%; no homozygotes.

Submissions (5):

Labcorp Genetics (formerly Invitae), Labcorp
Classification: Uncertain significance for Ataxia-telangiectasia syndrome. Last evaluated: 2024-10-31. Review status: criteria provided, single submitter. Criteria: Invitae Variant Classification Sherloc (09022015). Collection method: clinical testing. Allele origin: germline.
Comment: This sequence change replaces serine, which is neutral and polar, with proline, which is neutral and non-polar, at codon 160 of the ATM protein (p.Ser160Pro). This variant is present in population databases (rs761170769, gnomAD 0.0009%). This missense change has been observed in individual(s) with breast and/or ovarian cancer (PMID: 26898890). ClinVar contains an entry for this variant (Variation ID: 656583). Invitae Evidence Modeling of protein sequence and biophysical properties (such as structural, functional, and spatial information, amino acid conservation, physicochemical variation, residue mobility, and thermodynamic stability) indicates that this missense variant is not expected to disrupt ATM protein function with a negative predictive value of 95%. In summary, the available evidence is currently insufficient to determine the role of this variant in disease. Therefore, it has been classified as a Variant of Uncertain Significance.

Ambry Genetics
Classification: Uncertain significance for Hereditary cancer-predisposing syndrome. Last evaluated: 2024-01-13. Review status: criteria provided, single submitter. Criteria: Ambry Variant Classification Scheme 2023. Collection method: clinical testing. Allele origin: germline.
Comment: The p.S160P variant (also known as c.478T>C), located in coding exon 4 of the ATM gene, results from a T to C substitution at nucleotide position 478. The serine at codon 160 is replaced by proline, an amino acid with similar properties. This amino acid position is not well conserved in available vertebrate species. In addition, this alteration is predicted to be tolerated by in silico analysis. Since supporting evidence is limited at this time, the clinical significance of this alteration remains unclear.

Baylor Genetics
Classification: Uncertain significance for Familial cancer of breast. Last evaluated: 2023-08-23. Review status: criteria provided, single submitter. Criteria: ACMG Guidelines, 2015. Collection method: clinical testing. Allele origin: unknown.

Color Diagnostics, LLC DBA Color Health
Classification: Uncertain significance for Hereditary cancer-predisposing syndrome. Last evaluated: 2022-04-27. Review status: criteria provided, single submitter. Criteria: ACMG Guidelines, 2015. Collection method: clinical testing. Allele origin: germline.
Comment: This missense variant replaces serine with proline at codon 160 of the ATM protein. Computational prediction suggests that this variant may not impact protein structure and function (internally defined REVEL score threshold <= 0.5, PMID: 27666373). To our knowledge, functional studies have not been reported for this variant. This variant has not been reported in individuals affected with hereditary cancer in the literature. This variant has been identified in 2/251340 chromosomes in the general population by the Genome Aggregation Database (gnomAD). The available evidence is insufficient to determine the role of this variant in disease conclusively. Therefore, this variant is classified as a Variant of Uncertain Significance.

Department of Pathology and Laboratory Medicine, Sinai Health System
Classification: Likely benign for Carcinoma of colon. Review status: no assertion criteria provided. Collection method: clinical testing. Allele origin: unknown. Affected: yes. Study: The Canadian Open Genetics Repository (COGR). Not counted in ClinVar's aggregate classification.
Comment: The ATM p.Ser160Pro variant was not identified in ClinVar or LOVD 3.0 databases. The variant was identified in dbSNP (ID: rs761170769) but the clinical significance is unknown. The variant was identified in control databases in 1 of 246110 chromosomes at a frequency of 0.000004 (Genome Aggregation Database Feb 27, 2017). The variant was observed in the in the European non-Finnish population in 1 of 111598 chromosomes (0.000009) while not observed in the following population: African, Latino, Ashkenazi Jewish, East Asian, European Finnish, South Asian, or Other populations. One publication provided evidence that the p.Ser160Pro variant is not disease-causing as it was found in 1 of 17838 control chromosomes and absent in 1290 proband chromosomes of patients with chronic lymphocytic leukemia (Tiao et al, 2017). The p.Ser160 residue is conserved in mammals but not in more distantly related organisms. Four out of four computational analyses (PolyPhen-2, SIFT, AlignGVGD, MutationTaster) do not suggest a high likelihood of impact to the protein; this information is not predictive enough to rule out pathogenicity. The variant occurs outside of the splicing consensus sequence and in silico or computational prediction software programs (SpliceSiteFinder, MaxEntScan, NNSPLICE, GeneSplicer) do not predict a difference in splicing. In summary, based on the above information the clinical significance of this variant cannot be determined with certainty at this time although we would lean towards a more benign role for this variant. This variant is classified as likely benign.

Literature cited by the submitters: PubMed 26898890 (cited by Labcorp Genetics (formerly Invitae), Labcorp).